The following is an entry in ClinVar:

NM_002500.5(NEUROD1):c.741C>A (p.His247Gln)

Gene: NEUROD1 (neuronal differentiation 1; minus strand). Cytogenetic location: 2q31.3.
Variant type: single nucleotide variant.
Coding change: c.741C>A on transcript NM_002500.5 (MANE Select); coding-DNA position 741, C replaced by A.
Protein change: p.His247Gln; replaces histidine 247 with glutamine.
Molecular consequence: missense variant.
Genome position (GRCh38, 1-based): chr2:181,678,120, G>T on the plus strand (C>A on the coding strand, the complement: NEUROD1 is on the minus strand). VCF-style: chr2-181678120-G-T. GRCh37 (hg19) VCF-style: chr2-182542847-G-T.
Other names: short protein forms H247Q.
Identifiers: ClinVar variation 972116 (VCV000972116.11), dbSNP rs201542440, ClinGen allele CA2011072.

ClinVar aggregate classification (germline): Uncertain significance. Review status: criteria provided, multiple submitters, no conflicts (2 of 4 stars). 2 submissions from 2 submitters: Uncertain significance (2). Last evaluated 2025-01-13.

Conditions:
Maturity-onset diabetes of the young type 6 (MODY6). Identifiers: Orphanet 552, MedGen C1853371, MONDO:0011668, OMIM 606394.
Type 2 diabetes mellitus. Also called: Type II diabetes mellitus. Identifiers: MedGen C0011860, MeSH D003924, MONDO:0005148, OMIM 125853, HP:0005978.

Allele frequency attached by ClinVar (database versions not stated): TOPMed 0.00003; gnomAD 0.00004; ExAC 0.00005.
gnomAD v4.1: 43 of 1,614,086 alleles (0.0027%); highest among the groups gnomAD compares: Non-Finnish European, 0.003%; no homozygotes.

Submissions (2):

Labcorp Genetics (formerly Invitae), Labcorp
Classification: Uncertain significance. Last evaluated: 2025-01-13. Review status: criteria provided, single submitter. Criteria: Invitae Variant Classification Sherloc (09022015). Collection method: clinical testing. Allele origin: germline.
Comment: This sequence change replaces histidine, which is basic and polar, with glutamine, which is neutral and polar, at codon 247 of the NEUROD1 protein (p.His247Gln). This variant is present in population databases (rs201542440, gnomAD 0.01%). This variant has not been reported in the literature in individuals affected with NEUROD1-related conditions. ClinVar contains an entry for this variant (Variation ID: 972116). Invitae Evidence Modeling of protein sequence and biophysical properties (such as structural, functional, and spatial information, amino acid conservation, physicochemical variation, residue mobility, and thermodynamic stability) indicates that this missense variant is not expected to disrupt NEUROD1 protein function with a negative predictive value of 80%. In summary, the available evidence is currently insufficient to determine the role of this variant in disease. Therefore, it has been classified as a Variant of Uncertain Significance.

Fulgent Genetics
Classification: Uncertain significance for Type 2 diabetes mellitus; Maturity-onset diabetes of the young type 6. Last evaluated: 2021-11-16. Review status: criteria provided, single submitter. Criteria: ACMG Guidelines, 2015. Collection method: clinical testing. Allele origin: unknown.